The following is an entry in ClinVar:

NM_001394062.1(MACF1):c.13093A>C (p.Lys4365Gln)

Gene: MACF1 (microtubule actin crosslinking factor 1; plus strand). Cytogenetic location: 1p34.3.
Variant type: single nucleotide variant.
Coding change: c.13093A>C on transcript NM_001394062.1 (MANE Select); coding-DNA position 13093, A replaced by C.
Protein change: p.Lys4365Gln; replaces lysine 4365 with glutamine.
Molecular consequence: missense variant.
Genome position (GRCh38, 1-based): chr1:39,370,184, A>C. VCF-style: chr1-39370184-A-C. GRCh37 (hg19) VCF-style: chr1-39835856-A-C.
Other names: c.6907A>C, p.Lys2303Gln (NM_012090.5); c.6907A>C (NM_012090.4); short protein forms K2303Q, K4365Q.
Identifiers: ClinVar variation 3393427 (VCV003393427.2).

ClinVar aggregate classification (germline): Uncertain significance. Review status: criteria provided, multiple submitters, no conflicts (2 of 4 stars). 2 submissions from 2 submitters: Uncertain significance (2). Last evaluated 2025-02-07.

Conditions:
Lissencephaly 9 with complex brainstem malformation. Identifiers: Orphanet 572013, MedGen C5193029, MONDO:0032677, OMIM 618325.
Inborn genetic diseases. Identifiers: MedGen C0950123, MeSH D030342.

gnomAD v4.1: 8 of 1,608,586 alleles (0.0005%); highest among the groups gnomAD compares: Middle Eastern, 0.017%; no homozygotes.

Submissions (2):

Ambry Genetics
Classification: Uncertain significance for Inborn genetic diseases. Last evaluated: 2025-02-07. Review status: criteria provided, single submitter. Criteria: Ambry Variant Classification Scheme 2023. Collection method: clinical testing. Allele origin: germline.

Neuberg Centre For Genomic Medicine, NCGM
Classification: Uncertain significance for Lissencephaly 9 with complex brainstem malformation. Review status: criteria provided, single submitter. Criteria: ACMG Guidelines, 2015. Collection method: clinical testing. Allele origin: germline. Inheritance: Autosomal dominant inheritance. Affected: yes.
Comment: The observed missense c.6907A>C p.Lys2303Gln variant in MACF1 gene has not been reported previously as a pathogenic variant nor as a benign variant, to our knowledge. The p.Lys2303Gln variant has allele frequency 0.0004% in gnomAD Exomes. This variant has not been submitted to the ClinVar database. Multiple lines of computational evidence Polyphen - Possibly damaging, SIFT - Tolerated and Mutation Taster - Disease causing predicts conflicting evidence on protein structure and function for this variant. The reference amino acid on MACF1 gene is predicted as conserved by GERP++ and PhyloP across 100 vertebrates. The amino acid Lys at position 2303 is changed to a Gln changing protein sequence and it might alter its composition and physico-chemical properties. For these reasons, this variant has been classified as Variant of Uncertain Significance VUS.